The following is an entry in ClinVar:

ClinVar aggregate classification (germline): Uncertain significance. Review status: criteria provided, multiple submitters, no conflicts (2 of 4 stars). 4 submissions from 4 submitters: Uncertain significance (2). 2 of the submissions do not count toward it. Last evaluated 2025-06-25.

Conditions:
HEMOGLOBIN J (TORONTO).
alpha Thalassemia. Also called: Alpha thalassemia spectrum. Identifiers: Orphanet 846, MedGen C0002312, MONDO:0011399, OMIM 604131.

Submissions (4):

ARUP Laboratories, Molecular Genetics and Genomics, ARUP Laboratories
Classification: Uncertain significance. Last evaluated: 2025-06-25. Review status: criteria provided, single submitter. Criteria: ARUP Molecular Germline Variant Investigation Process 2024. Collection method: clinical testing. Allele origin: germline.
Comment: The Hb J Toronto variant (HBA1 c.17C>A; p.Ala6Asp, also known as Ala5Asp when numbered from the mature protein, rs34090856, ClinVar Variation ID: 15765, HbVarID: 3) is reported in the literature in the heterozygous state and in the compound heterozygous state with the 3.7kb deletion in individuals without any significant hematological symptoms (see HbVar and references therein, Mahdavi 2012, Van Laer 2014). Aberrant HbA1c measurements have been reported in several individuals with this variant (Van Laer 2014). This variant is absent from the Genome Aggregation Database (v2.1.1), indicating it is not a common polymorphism, but is considered a low confidence variant in the database. Computational analyses are uncertain whether this variant is neutral or deleterious (REVEL: 0.544). Due to limited information, the clinical significance of this variant is uncertain at this time. References: Link to HbVar database: Mahdavi M et al. Report of haemoglobin J-Toronto and alpha thalassemia in a family from North of Iran. J Pak Med Assoc. 2012 Apr;62(4):396-8. PMID: 22755290. Van Laer C et al. Aberrant glycated haemoglobin (HbA1c) results leading to haemoglobinopathy diagnosis in four Belgian patients. Acta Clin Belg. 2014 Dec;69(6):456-9. PMID: 25109349.

Quest Diagnostics Nichols Institute San Juan Capistrano
Classification: Uncertain significance. Last evaluated: 2025-01-27. Review status: criteria provided, single submitter. Criteria: Quest Diagnostics criteria. Collection method: clinical testing. Allele origin: unknown.
Comment: The HBA1 c.17C>A (p.Ala6Asp) variant (also known as Hb J-Toronto) has been reported in individuals with normal hematological characterizations (PMID: 5870555 (1965), 5169069 (1971)), as well as individuals with diabetes (PMID: 25109349 (2014)), and hypochromic microcytic anemia (PMID: 23402770 (2013)). This variant is reported as having normal stability and normal cell morphology (PMIDs: 5870555 (1965) and 5169069 (1971)). This variant has not been reported in large, multi-ethnic general populations (Genome Aggregation Database). Analysis of this variant using bioinformatics tools (i.e., MutationTaster and PolyPhen-2) for the prediction of the effect of amino acid changes on protein structure and function yielded predictions that this variant is benign. Based on the available information, we are unable to determine the clinical significance of this variant. Testing affected family members could help clarify the clinical significance of this variant.

Natera, Inc.
Classification: Uncertain significance for Alpha thalassemia. Last evaluated: 2021-08-31. Review status: no assertion criteria provided. Collection method: clinical testing. Allele origin: germline. Not counted in ClinVar's aggregate classification.

OMIM
Classification: other for HEMOGLOBIN J (TORONTO). Last evaluated: 2016-07-20. Review status: no assertion criteria provided. Collection method: literature only. Allele origin: germline. Not counted in ClinVar's aggregate classification.

Literature cited by the submitters: PubMed 5870555 (cited by Quest Diagnostics Nichols Institute San Juan Capistrano and OMIM); PubMed 5169069 (cited by Quest Diagnostics Nichols Institute San Juan Capistrano); PubMed 27207683 (cited by Quest Diagnostics Nichols Institute San Juan Capistrano); PubMed 25109349 (cited by Quest Diagnostics Nichols Institute San Juan Capistrano); PubMed 26635043 (cited by Quest Diagnostics Nichols Institute San Juan Capistrano); PubMed 23402770 (cited by Quest Diagnostics Nichols Institute San Juan Capistrano); PubMed 32597250 (cited by Quest Diagnostics Nichols Institute San Juan Capistrano); PubMed 36695330 (cited by Quest Diagnostics Nichols Institute San Juan Capistrano).

NM_000558.5(HBA1):c.17C>A (p.Ala6Asp)

Genes: HBA1 (hemoglobin subunit alpha 1; plus strand), LOC106804613 (hemoglobin subunit alpha 1 recombination region; plus strand). Cytogenetic location: 16p13.3.
Variant type: single nucleotide variant.
Coding change: c.17C>A on transcript NM_000558.5 (MANE Select); coding-DNA position 17, C replaced by A.
Protein change: p.Ala6Asp; replaces alanine 6 with aspartic acid.
Molecular consequence: missense variant.
Genome position (GRCh38, 1-based): chr16:176,733, C>A. VCF-style: chr16-176733-C-A. GRCh37 (hg19) VCF-style: chr16-226732-C-A.
Other names: A5D; c.17C>A (NM_000558.3); short protein forms A6D.
Identifiers: ClinVar variation 15765 (VCV000015765.20), dbSNP rs34090856, ClinGen allele CA125793.